The following is an entry in ClinVar:

NM_007294.4(BRCA1):c.548-34T>C

Gene: BRCA1 (BRCA1 DNA repair associated; minus strand). Cytogenetic location: 17q21.31.
Variant type: single nucleotide variant.
Coding change: c.548-34T>C on transcript NM_007294.4 (MANE Select); 34 bases into the intron before coding-DNA position 548, T replaced by C.
Molecular consequence: intron variant.
Genome position (GRCh38, 1-based): chr17:43,097,323, A>G on the plus strand (T>C on the coding strand, the complement: BRCA1 is on the minus strand). VCF-style: chr17-43097323-A-G. GRCh37 (hg19) VCF-style: chr17-41249340-A-G.
Other names: c.404-34T>C (NM_001407744.1, NM_001407843.1, NM_001408465.1 and 26 more transcripts); c.406+2452T>C (NM_001408496.1, NM_001407929.1, NM_001407924.1 and 15 more transcripts); c.407-34T>C (NM_001408460.1, NM_001408454.1, NM_001407852.1 and 43 more transcripts); c.467-34T>C (NM_001408413.1, NM_001407660.1, NM_001407661.1 and 3 more transcripts); c.469+2452T>C (NM_001408476.1, NM_001408474.1, NM_001407862.1); c.470-34T>C (NM_001408409.1, NM_001407663.1, NM_001407658.1 and 9 more transcripts); c.334+2452T>C (NM_001407958.1, NM_001407955.1, NM_001407954.1 and 3 more transcripts); c.335-34T>C (NM_001408493.1, NM_001408490.1, NM_001407915.1 and 12 more transcripts); and 14 more.
Identifiers: ClinVar variation 433693 (VCV000433693.6), dbSNP rs1442560766, ClinGen allele CA645372627.

ClinVar aggregate classification (germline): Likely benign. Review status: criteria provided, single submitter (1 of 4 stars). 3 submissions from 3 submitters: Likely benign (1). 2 of the submissions do not count toward it. Last evaluated 2017-08-17.

Conditions:
Hereditary cancer-predisposing syndrome. Also called: Neoplastic Syndromes, Hereditary; Hereditary neoplastic syndrome; Tumor predisposition; Hereditary Cancer Syndrome. Identifiers: Orphanet 140162, MedGen C0027672, MeSH D009386, MONDO:0015356.
Breast-ovarian cancer, familial, susceptibility to, 1 (BROVCA1). Also called: BRCA1 Hereditary Breast and Ovarian Cancer; OVARIAN CANCER, SUSCEPTIBILITY TO. Identifiers: Orphanet 145, MedGen C2676676, MONDO:0011450, OMIM 604370. Disease mechanism: loss of function.

Allele frequency attached by ClinVar (database versions not stated): TOPMed 0.00002.
gnomAD v4.1: 9 of 1,557,846 alleles (0.00058%); highest among the groups gnomAD compares: Non-Finnish European, 0.00071%; no homozygotes.

Submissions (3):

Color Diagnostics, LLC DBA Color Health
Classification: Likely benign for Hereditary cancer-predisposing syndrome. Last evaluated: 2017-08-17. Review status: criteria provided, single submitter. Criteria: ACMG Guidelines, 2015. Collection method: clinical testing. Allele origin: germline.

BRCAlab, Lund University
Classification: Likely benign for Breast-ovarian cancer, familial, susceptibility to, 1. Last evaluated: 2020-03-02. Review status: no assertion criteria provided. Collection method: clinical testing. Allele origin: germline. Affected: yes. Not counted in ClinVar's aggregate classification.

Department of Pathology and Laboratory Medicine, Sinai Health System
Classification: Uncertain significance. Review status: no assertion criteria provided. Collection method: clinical testing. Allele origin: unknown. Affected: yes. Observed: 1 variant allele. Study: The Canadian Open Genetics Repository (COGR). Not counted in ClinVar's aggregate classification.
Comment: The BRCA1 c.548-34T>C variant has not been reported in the literature nor previously identified by our laboratory. This is an intronic variant, which is not found to impact on splicing using the prediction programs. It is reported in the UMD to co-occur with a pathogenic variant. In summary, based on the above information this variant is likely benign.